The following is an entry in ClinVar:

ClinVar aggregate classification (germline): Uncertain significance (1 of 4 stars; one submission).

Conditions:
Hereditary sensory and autonomic neuropathy type 6. Also called: Neuropathy, hereditary sensory and autonomic, type VI; HSAN VI. Identifiers: Orphanet 314381, MedGen C3539003, MONDO:0013839, OMIM 614653.
Epidermolysis bullosa simplex 3, localized or generalized intermediate, with BP230 deficiency (EBS3). Also called: Epidermolysis bullosa simplex, autosomal recessive 2; Epidermolysis bullosa simplex due to BP230 deficiency. Identifiers: Orphanet 412181, MedGen C3809470, MONDO:0014180, OMIM 615425.

Allele frequency attached by ClinVar (database versions not stated): gnomAD exomes 0.00002 and 0.00004; ExAC 0.00005; gnomAD 0.00015 and 0.00016; TOPMed 0.00017; ESP Exome Variant Server 0.00032.
gnomAD v4.1: 46 of 1,613,876 alleles (0.0029%); highest among the groups gnomAD compares: African/African-American, 0.047%; no homozygotes.

Submission:

Labcorp Genetics (formerly Invitae), Labcorp
Classification: Uncertain significance for Epidermolysis bullosa simplex 3, localized or generalized intermediate, with BP230 deficiency; Hereditary sensory and autonomic neuropathy type 6. Last evaluated: 2023-10-16. Review status: criteria provided, single submitter. Criteria: Invitae Variant Classification Sherloc (09022015). Collection method: clinical testing. Allele origin: germline.
Comment: The DST gene has multiple clinically relevant transcripts. This variant occurs in alternate transcript NM_015548.4, and corresponds to NM_001723.5:c.*151798C>T in the primary transcript. This sequence change replaces alanine, which is neutral and non-polar, with valine, which is neutral and non-polar, at codon 4955 of the DST protein (p.Ala4955Val). This variant is present in population databases (rs375687689, gnomAD 0.05%). This variant has not been reported in the literature in individuals affected with DST-related conditions. Experimental studies and prediction algorithms are not available or were not evaluated, and the functional significance of this variant is currently unknown. In summary, the available evidence is currently insufficient to determine the role of this variant in disease. Therefore, it has been classified as a Variant of Uncertain Significance.

NM_001374736.1(DST):c.22805C>T (p.Ala7602Val)

Gene: DST (dystonin; minus strand). Cytogenetic location: 6p12.1.
Variant type: single nucleotide variant.
Coding change: c.22805C>T on transcript NM_001374736.1 (MANE Select); coding-DNA position 22805, C replaced by T.
Protein change: p.Ala7602Val; replaces alanine 7602 with valine.
Molecular consequence: missense variant.
Genome position (GRCh38, 1-based): chr6:56,463,719, G>A on the plus strand (C>T on the coding strand, the complement: DST is on the minus strand). VCF-style: chr6-56463719-G-A. GRCh37 (hg19) VCF-style: chr6-56328517-G-A.
Other names: c.16376C>T, p.Ala5459Val (NM_001144769.5); c.15962C>T, p.Ala5321Val (NM_001144770.2); c.22733C>T, p.Ala7578Val (NM_001374722.1); c.21845C>T, p.Ala7282Val (NM_001374729.1); c.15587C>T, p.Ala5196Val (NM_001374730.1); c.22760C>T, p.Ala7587Val (NM_001374734.1); c.14864C>T, p.Ala4955Val (NM_015548.5); c.15842C>T, p.Ala5281Val (NM_183380.4); short protein forms A4955V, A5281V, A7282V, A5196V, A5321V, A7602V, A7578V, A5459V.
Identifiers: ClinVar variation 967934 (VCV000967934.8), dbSNP rs375687689, ClinGen allele CA3866137.
Genomic context (GRCh38, chr6:56,463,719, plus strand): 5'-GATGGCCGGGATCTTCGGCCTCGGGGTCGGAAAGCAGCCATACCCTGGCTGGCACCATCT[G>A]CTAAAATGAACTTCTCACGCAGTTCCATGTTTGTCCTTCCTTTGGCTGGGTTATACACAC-3'
Protein context (NP_001361665.1, residues 7592-7612): NMELREKFIL[Ala7602Val]DGASQGMAAF